The following is an entry in ClinVar:

ClinVar aggregate classification (germline): Uncertain significance. Review status: criteria provided, multiple submitters, no conflicts (2 of 4 stars). 8 submissions from 7 submitters: Uncertain significance (6). 2 of the submissions do not count toward it. Last evaluated 2026-09-30.

Conditions:
Retinitis pigmentosa 39 (RP39). Identifiers: Orphanet 791, MedGen C3151138, MONDO:0013436, OMIM 613809.
Usher syndrome type 2A. Also called: RETINAL DISEASE IN USHER SYNDROME TYPE IIA, MODIFIER OF; USHER SYNDROME, TYPE IIA. Identifiers: Orphanet 231178, Orphanet 886, MedGen C1848634, MONDO:0010169, OMIM 276901.
Retinal dystrophy. Also called: Inherited retinal dystrophy. Identifiers: Orphanet 71862, MedGen C0854723, MeSH D058499, MONDO:0019118, HP:0000556.
Inborn genetic diseases. Identifiers: MedGen C0950123, MeSH D030342.

Allele frequency attached by ClinVar (database versions not stated): ExAC 0.00001; TOPMed 0.00007; ESP Exome Variant Server 0.00008; gnomAD exomes 0.00004; gnomAD 0.00009.
gnomAD v4.1: 136 of 1,614,034 alleles (0.0084%); highest among the groups gnomAD compares: Middle Eastern, 0.016%; no homozygotes.

Submissions (8):

GeneDx
Classification: Uncertain significance. Last evaluated: 2026-09-30. Review status: criteria provided, single submitter. Criteria: GeneDx Variant Classification Process June 2021. Collection method: clinical testing. Allele origin: germline.
Comment: In silico analysis suggests that this missense variant does not alter protein structure/function; Has not been previously published as pathogenic or benign to our knowledge

Ambry Genetics
Classification: Uncertain significance for Inborn genetic diseases. Last evaluated: 2025-06-18. Review status: criteria provided, single submitter. Criteria: Ambry Variant Classification Scheme 2023. Collection method: clinical testing. Allele origin: germline.

Blueprint Genetics
Classification: Uncertain significance. Last evaluated: 2024-10-06. Review status: criteria provided, single submitter. Criteria: ACMG Guidelines, 2015. Collection method: clinical testing. Allele origin: germline.

Genome-Nilou Lab
Classification: Uncertain significance for Retinitis pigmentosa 39. Last evaluated: 2023-11-04. Review status: criteria provided, single submitter. Criteria: ACMG Guidelines, 2015. Collection method: clinical testing. Allele origin: germline. Affected: no.

Genome-Nilou Lab
Classification: Uncertain significance for Usher syndrome type 2A. Last evaluated: 2023-11-04. Review status: criteria provided, single submitter. Criteria: ACMG Guidelines, 2015. Collection method: clinical testing. Allele origin: germline. Affected: no.

Labcorp Genetics (formerly Invitae), Labcorp
Classification: Uncertain significance. Last evaluated: 2022-10-17. Review status: criteria provided, single submitter. Criteria: Invitae Variant Classification Sherloc (09022015). Collection method: clinical testing. Allele origin: germline.
Comment: This sequence change replaces alanine, which is neutral and non-polar, with threonine, which is neutral and polar, at codon 3975 of the USH2A protein (p.Ala3975Thr). This variant is present in population databases (rs372327495, gnomAD 0.009%). This variant has not been reported in the literature in individuals affected with USH2A-related conditions. ClinVar contains an entry for this variant (Variation ID: 971118). Advanced modeling of protein sequence and biophysical properties (such as structural, functional, and spatial information, amino acid conservation, physicochemical variation, residue mobility, and thermodynamic stability) performed at Invitae indicates that this missense variant is not expected to disrupt USH2A protein function. In summary, the available evidence is currently insufficient to determine the role of this variant in disease. Therefore, it has been classified as a Variant of Uncertain Significance.

Institute of Human Genetics, Univ. Regensburg, Univ. Regensburg
Classification: Uncertain significance for Retinal dystrophy. Last evaluated: 2022-01-01. Review status: no assertion criteria provided. Criteria: ACMG Guidelines, 2015. Collection method: clinical testing. Allele origin: germline. Affected: yes. Not counted in ClinVar's aggregate classification.

Natera, Inc.
Classification: Uncertain significance for Usher syndrome type 2A. Last evaluated: 2020-01-17. Review status: no assertion criteria provided. Collection method: clinical testing. Allele origin: germline. Not counted in ClinVar's aggregate classification.

NM_206933.4(USH2A):c.11923G>A (p.Ala3975Thr)

Gene: USH2A (usherin; minus strand). Cytogenetic location: 1q41.
Variant type: single nucleotide variant.
Coding change: c.11923G>A on transcript NM_206933.4 (MANE Select); coding-DNA position 11923, G replaced by A.
Protein change: p.Ala3975Thr; replaces alanine 3975 with threonine.
Molecular consequence: missense variant.
Genome position (GRCh38, 1-based): chr1:215,728,173, C>T on the plus strand (G>A on the coding strand, the complement: USH2A is on the minus strand). VCF-style: chr1-215728173-C-T. GRCh37 (hg19) VCF-style: chr1-215901515-C-T.
Other names: short protein forms A3975T.
Identifiers: ClinVar variation 971118 (VCV000971118.12), dbSNP rs372327495, ClinGen allele CA1393597.
Genomic context (GRCh38, chr1:215,728,173, plus strand): 5'-TAATGCCATTGGGAGATTCTGGCTTTGTCCAATTCAACAGAACTGAATGAGCACTCGTGG[C>T]TTGAGCCCAAGGAGCTGGAAAATCTTGAGGTGGAGCTTCCAGAGTTTGTGTTAATGACCA-3'
Protein context (NP_996816.3, residues 3965-3985): PQDFPAPWAQ[Ala3975Thr]TSAHSVLLNW